The following is an entry in ClinVar:

NM_018648.4(NOP10):c.*45G>C

Gene: NOP10 (NOP10 ribonucleoprotein; minus strand). Cytogenetic location: 15q14.
Variant type: single nucleotide variant.
Coding change: c.*45G>C on transcript NM_018648.4 (MANE Select); 45 bases downstream of the stop codon, G replaced by C.
Molecular consequence: 3 prime UTR variant.
Genome position (GRCh38, 1-based): chr15:34,341,923, C>G on the plus strand (G>C on the coding strand, the complement: NOP10 is on the minus strand). VCF-style: chr15-34341923-C-G. GRCh37 (hg19) VCF-style: chr15-34634124-C-G.
Other names: NC_000015.9:g.34634124C>G.
Identifiers: ClinVar variation 315633 (VCV000315633.10), dbSNP rs1045238, ClinGen allele CA7464747.

ClinVar aggregate classification (germline): Benign. Review status: criteria provided, multiple submitters, no conflicts (2 of 4 stars). 4 submissions from 4 submitters: Benign (4). Last evaluated 2024-01-24.

Conditions:
Dyskeratosis congenita, autosomal recessive 1. Identifiers: Orphanet 1775, MedGen C1857144, MONDO:0009136, OMIM 224230.

Allele frequency attached by ClinVar (database versions not stated): ESP Exome Variant Server 0.15787; gnomAD 0.16090 and 0.15636; gnomAD exomes 0.16529 and 0.17634; TOPMed 0.16767; ExAC 0.17820; 1000 Genomes Project 30x 0.20347; 1000 Genomes Project 0.21006.
gnomAD v4.1: 264,893 of 1,602,948 alleles (17%); highest among the groups gnomAD compares: East Asian, 31%; 23,175 homozygotes.

Submissions (20):

Unidad de Genómica Garrahan, Hospital de Pediatría Garrahan
Classification: Benign. Last evaluated: 2024-01-24. Review status: criteria provided, single submitter. Criteria: ACMG Guidelines, 2015. Collection method: clinical testing. Allele origin: germline. Affected: no. Observed: 32 variant alleles.
Comment: This variant is classified as Benign based on local population frequency. This variant was detected in 34% of patients studied by a panel of primary immunodeficiencies. Number of patients: 32. Only high quality variants are reported.

GeneDx
Classification: Benign. Last evaluated: 2018-11-12. Review status: criteria provided, single submitter. Criteria: GeneDx Variant Classification Process June 2021. Collection method: clinical testing. Allele origin: germline. Affected: yes.

Illumina Laboratory Services, Illumina
Classification: Benign for Dyskeratosis congenita, autosomal recessive 1. Last evaluated: 2018-01-12. Review status: criteria provided, single submitter. Criteria: ICSL Variant Classification Criteria 13 December 2019. Collection method: clinical testing. Allele origin: germline.
Comment: This variant was observed in the ICSL laboratory as part of a predisposition screen in an ostensibly healthy population. It had not been previously curated by ICSL or reported in the Human Gene Mutation Database (HGMD: prior to June 1st, 2018), and was therefore a candidate for classification through an automated scoring system. Utilizing variant allele frequency, disease prevalence and penetrance estimates, and inheritance mode, an automated score was calculated to assess if this variant is too frequent to cause the disease. Based on the score and internal cut-off values, a variant classified as benign is not then subjected to further curation. The score for this variant resulted in a classification of benign for this disease.

Breakthrough Genomics
Classification: Benign. Review status: criteria provided, single submitter. Criteria: ACMG Guidelines, 2015. Collection method: not provided. Allele origin: germline. Inheritance: Autosomal recessive inheritance. Affected: yes.

Dr. Peter K. Rogan Lab, Western University
No classification provided (evidence only). Condition: Malignant lymphoma, large B-cell, diffuse. Review status: no classification provided. Collection method: in vitro. Allele origin: not applicable. Functional consequence: retained intron. Not counted in ClinVar's aggregate classification.

Dr. Peter K. Rogan Lab, Western University
No classification provided (evidence only). Condition: Malignant lymphoma, large B-cell, diffuse. Review status: no classification provided. Collection method: in vitro. Allele origin: not applicable. Functional consequence: retained intron. Not counted in ClinVar's aggregate classification.

Dr. Peter K. Rogan Lab, Western University
No classification provided (evidence only). Condition: Malignant lymphoma, large B-cell, diffuse. Review status: no classification provided. Collection method: in vitro. Allele origin: not applicable. Functional consequence: retained intron. Not counted in ClinVar's aggregate classification.

Dr. Peter K. Rogan Lab, Western University
No classification provided (evidence only). Condition: Malignant lymphoma, large B-cell, diffuse. Review status: no classification provided. Collection method: in vitro. Allele origin: not applicable. Functional consequence: retained intron. Not counted in ClinVar's aggregate classification.

Dr. Peter K. Rogan Lab, Western University
No classification provided (evidence only). Condition: Malignant lymphoma, large B-cell, diffuse. Review status: no classification provided. Collection method: in vitro. Allele origin: not applicable. Functional consequence: retained intron. Not counted in ClinVar's aggregate classification.

Dr. Peter K. Rogan Lab, Western University
No classification provided (evidence only). Condition: Malignant lymphoma, large B-cell, diffuse. Review status: no classification provided. Collection method: in vitro. Allele origin: not applicable. Functional consequence: retained intron. Not counted in ClinVar's aggregate classification.

Dr. Peter K. Rogan Lab, Western University
No classification provided (evidence only). Condition: Malignant lymphoma, large B-cell, diffuse. Review status: no classification provided. Collection method: in vitro. Allele origin: not applicable. Functional consequence: retained intron. Not counted in ClinVar's aggregate classification.

Dr. Peter K. Rogan Lab, Western University
No classification provided (evidence only). Condition: Malignant lymphoma, large B-cell, diffuse. Review status: no classification provided. Collection method: in vitro. Allele origin: not applicable. Functional consequence: retained intron. Not counted in ClinVar's aggregate classification.

Dr. Peter K. Rogan Lab, Western University
No classification provided (evidence only). Condition: Malignant lymphoma, large B-cell, diffuse. Review status: no classification provided. Collection method: in vitro. Allele origin: not applicable. Functional consequence: retained intron. Not counted in ClinVar's aggregate classification.

Dr. Peter K. Rogan Lab, Western University
No classification provided (evidence only). Condition: Malignant lymphoma, large B-cell, diffuse. Review status: no classification provided. Collection method: in vitro. Allele origin: not applicable. Functional consequence: retained intron. Not counted in ClinVar's aggregate classification.

Dr. Peter K. Rogan Lab, Western University
No classification provided (evidence only). Condition: Malignant lymphoma, large B-cell, diffuse. Review status: no classification provided. Collection method: in vitro. Allele origin: not applicable. Functional consequence: retained intron. Not counted in ClinVar's aggregate classification.

Dr. Peter K. Rogan Lab, Western University
No classification provided (evidence only). Condition: Nonpapillary renal cell carcinoma. Review status: no classification provided. Collection method: in vitro. Allele origin: not applicable. Functional consequence: retained intron. Not counted in ClinVar's aggregate classification.

Dr. Peter K. Rogan Lab, Western University
No classification provided (evidence only). Condition: Uterine carcinosarcoma. Review status: no classification provided. Collection method: in vitro. Allele origin: not applicable. Functional consequence: retained intron. Not counted in ClinVar's aggregate classification.

Dr. Peter K. Rogan Lab, Western University
No classification provided (evidence only). Condition: Uterine carcinosarcoma. Review status: no classification provided. Collection method: in vitro. Allele origin: not applicable. Functional consequence: retained intron. Not counted in ClinVar's aggregate classification.

Dr. Peter K. Rogan Lab, Western University
No classification provided (evidence only). Condition: Uterine carcinosarcoma. Review status: no classification provided. Collection method: in vitro. Allele origin: not applicable. Functional consequence: retained intron. Not counted in ClinVar's aggregate classification.

Dr. Peter K. Rogan Lab, Western University
No classification provided (evidence only). Condition: Uveal melanoma. Review status: no classification provided. Collection method: in vitro. Allele origin: not applicable. Functional consequence: retained intron. Not counted in ClinVar's aggregate classification.